The following is an entry in ClinVar:

NM_015898.4(ZBTB7A):c.105C>T (p.Asp35=)

Gene: ZBTB7A (zinc finger and BTB domain containing 7A; minus strand). Cytogenetic location: 19p13.3.
Variant type: single nucleotide variant.
Coding change: c.105C>T on transcript NM_015898.4 (MANE Select); coding-DNA position 105, C replaced by T.
Protein change: p.Asp35=; no amino-acid change (aspartic acid 35 retained).
Molecular consequence: synonymous variant.
Genome position (GRCh38, 1-based): chr19:4,055,128, G>A on the plus strand (C>T on the coding strand, the complement: ZBTB7A is on the minus strand). VCF-style: chr19-4055128-G-A. GRCh37 (hg19) VCF-style: chr19-4055126-G-A.
Other names: c.105C>T, p.Asp35= (NM_001317990.2).
Identifiers: ClinVar variation 4822468 (VCV004822468.4).

ClinVar aggregate classification (germline): Likely benign (1 of 4 stars; one submission).

gnomAD v4.1: 28 of 1,609,492 alleles (0.0017%); highest among the groups gnomAD compares: Non-Finnish European, 0.0022%; no homozygotes.

Submission:

CeGaT Center for Human Genetics Tuebingen
Classification: Likely benign. Last evaluated: 2026-01-01. Review status: criteria provided, single submitter. Criteria: CeGaT Center For Human Genetics Tuebingen Variant Classification Criteria Version 2. Collection method: clinical testing. Allele origin: germline. Affected: yes. Observed: 1 variant allele.
Comment: ZBTB7A: BP4, BP7